The following is an entry in ClinVar:

ClinVar aggregate classification (germline): Conflicting classifications of pathogenicity. Review status: criteria provided, conflicting classifications (1 of 4 stars). 13 submissions from 9 submitters: Uncertain significance (9); Likely benign (2). 2 of the submissions do not count toward it. Last evaluated 2026-04-14.

Conditions:
Cardiomyopathy (CMYO). Also called: Cardiomyopathies. Identifiers: Orphanet 167848, MedGen C0878544, MONDO:0004994, HP:0001638. Inheritance: Various modes of inheritance.
Early-onset myopathy with fatal cardiomyopathy (CMYO5). Also called: Salih Myopathy; CONGENITAL MYOPATHY 5 WITH CARDIOMYOPATHY. Identifiers: Orphanet 289377, MedGen C2673677, MONDO:0012714, OMIM 611705. Disease mechanism: loss of function.
Myopathy, myofibrillar, 9, with early respiratory failure (MFM9). Also called: Hereditary myopathy with early respiratory failure; MYOPATHY, PROXIMAL, WITH EARLY RESPIRATORY MUSCLE INVOLVEMENT; Myopathy, distal, with early respiratory failure, autosomal dominant; EDSTROM MYOPATHY. Identifiers: Orphanet 178464, Orphanet 34521, MedGen C1863599, MONDO:0011362, OMIM 603689.
TTN-related disorder. Also called: TTN-related disorders; TTN-related condition; TTN-related disease.
Autosomal recessive limb-girdle muscular dystrophy type 2J (LGMDR10). Also called: Limb-girdle muscular dystrophy, type 2J; MUSCULAR DYSTROPHY, LIMB-GIRDLE, AUTOSOMAL RECESSIVE 10. Identifiers: Orphanet 140922, MedGen C1837342, MONDO:0012127, OMIM 608807.
Tibial muscular dystrophy (TMD). Also called: UDD MYOPATHY; Tibial muscular dystrophy, tardive; Udd Distal Myopathy – Tibial Muscular Dystrophy. Identifiers: Orphanet 609, MedGen C1838244, MONDO:0010870, OMIM 600334.
Dilated cardiomyopathy 1G (CMD1G). Identifiers: Orphanet 154, MedGen C1858763, MONDO:0011400, OMIM 604145.

Allele frequency attached by ClinVar (database versions not stated): ExAC 0.00003; gnomAD exomes 0.00004 and 0.00005; TOPMed 0.00005; gnomAD 0.00006 and 0.00007; ESP Exome Variant Server 0.00008.
gnomAD v4.1: 83 of 1,613,140 alleles (0.0051%); highest among the groups gnomAD compares: Admixed American, 0.0083%; no homozygotes.

Submissions (13):

PreventionGenetics, part of Exact Sciences
Classification: Uncertain significance for TTN-related condition. Last evaluated: 2026-04-14. Review status: criteria provided, single submitter. Criteria: ACMG Guidelines, 2015. Collection method: clinical testing. Allele origin: germline.
Comment: The TTN c.77749T>C variant is predicted to result in the amino acid substitution p.Tyr25917His. To our knowledge, this variant has not been reported in the literature. This variant is reported in 0.0062% of alleles in individuals of European (Non-Finnish) descent in gnomAD. At this time, the clinical significance of this variant is uncertain due to the absence of conclusive functional and genetic evidence.

CeGaT Center for Human Genetics Tuebingen
Classification: Uncertain significance. Last evaluated: 2025-07-01. Review status: criteria provided, single submitter. Criteria: CeGaT Center For Human Genetics Tuebingen Variant Classification Criteria Version 2. Collection method: clinical testing. Allele origin: germline. Affected: yes. Observed: 1 variant allele.
Comment: TTN: PM2:Supporting

Molecular Diagnostic Laboratory for Inherited Cardiovascular Disease, Montreal Heart Institute
Classification: Likely benign. Last evaluated: 2025-04-09. Review status: criteria provided, single submitter. Criteria: ACMG Guidelines, 2015. Collection method: clinical testing. Allele origin: germline. Affected: no.

GeneDx
Classification: Likely benign. Last evaluated: 2020-02-24. Review status: criteria provided, single submitter. Criteria: GeneDx Variant Classification Process June 2021. Collection method: clinical testing. Allele origin: germline. Affected: yes.

Illumina Laboratory Services, Illumina
Classification: Uncertain significance for Myopathy, myofibrillar, 9, with early respiratory failure. Last evaluated: 2018-01-13. Review status: criteria provided, single submitter. Criteria: ICSL Variant Classification Criteria 13 December 2019. Collection method: clinical testing. Allele origin: germline.

Illumina Laboratory Services, Illumina
Classification: Uncertain significance for Autosomal recessive limb-girdle muscular dystrophy type 2J. Last evaluated: 2018-01-13. Review status: criteria provided, single submitter. Criteria: ICSL Variant Classification Criteria 13 December 2019. Collection method: clinical testing. Allele origin: germline.

Illumina Laboratory Services, Illumina
Classification: Uncertain significance for Tibial muscular dystrophy. Last evaluated: 2018-01-13. Review status: criteria provided, single submitter. Criteria: ICSL Variant Classification Criteria 13 December 2019. Collection method: clinical testing. Allele origin: germline.

Illumina Laboratory Services, Illumina
Classification: Uncertain significance for Early-onset myopathy with fatal cardiomyopathy. Last evaluated: 2018-01-13. Review status: criteria provided, single submitter. Criteria: ICSL Variant Classification Criteria 13 December 2019. Collection method: clinical testing. Allele origin: germline.

Illumina Laboratory Services, Illumina
Classification: Uncertain significance for Dilated cardiomyopathy 1G. Last evaluated: 2018-01-13. Review status: criteria provided, single submitter. Criteria: ICSL Variant Classification Criteria 13 December 2019. Collection method: clinical testing. Allele origin: germline.

Labcorp Genetics (formerly Invitae), Labcorp
Classification: Uncertain significance for Dilated cardiomyopathy 1G; Autosomal recessive limb-girdle muscular dystrophy type 2J. Last evaluated: 2017-06-21. Review status: criteria provided, single submitter. Criteria: Invitae Variant Classification Sherloc (09022015). Collection method: clinical testing. Allele origin: germline.

CHEO Genetics Diagnostic Laboratory, Children's Hospital of Eastern Ontario
Classification: Uncertain significance for Cardiomyopathy. Last evaluated: 2016-07-05. Review status: criteria provided, single submitter. Criteria: ACMG Guidelines, 2015. Collection method: clinical testing. Allele origin: germline. Study: Canadian Open Genetics Repository.

Clinical Genetics DNA and cytogenetics Diagnostics Lab, Erasmus MC, Erasmus Medical Center
Classification: Uncertain significance. Review status: no assertion criteria provided. Collection method: clinical testing. Allele origin: germline. Affected: yes. Study: VKGL Data-share Consensus. Not counted in ClinVar's aggregate classification.

Joint Genome Diagnostic Labs from Nijmegen and Maastricht, Radboudumc and MUMC+
Classification: Uncertain significance. Review status: no assertion criteria provided. Collection method: clinical testing. Allele origin: germline. Affected: yes. Study: VKGL Data-share Consensus. Not counted in ClinVar's aggregate classification.

NM_001267550.2(TTN):c.77749T>C (p.Tyr25917His)

Genes: TTN (titin; minus strand), TTN-AS1 (TTN antisense RNA 1; plus strand). Cytogenetic location: 2q31.2.
Variant type: single nucleotide variant.
Coding change: c.77749T>C on transcript NM_001267550.2 (MANE Select); coding-DNA position 77749, T replaced by C.
Protein change: p.Tyr25917His; replaces tyrosine 25917 with histidine.
Molecular consequence: missense variant.
Genome position (GRCh38, 1-based): chr2:178,568,383, A>G on the plus strand (T>C on the coding strand, the complement: TTN is on the minus strand). VCF-style: chr2-178568383-A-G. GRCh37 (hg19) VCF-style: chr2-179433110-A-G.
Other names: c.72826T>C, p.Tyr24276His (NM_001256850.1); c.50554T>C, p.Tyr16852His (NM_003319.4); c.70045T>C, p.Tyr23349His (NM_133378.4); c.50929T>C, p.Tyr16977His (NM_133432.3); c.51130T>C, p.Tyr17044His (NM_133437.4); short protein forms Y25917H, Y24276H, Y16852H, Y23349H, Y16977H, Y17044H.
Identifiers: ClinVar variation 467506 (VCV000467506.23), dbSNP rs370137092, ClinGen allele CA1989717.